The following is an entry in ClinVar:

ClinVar aggregate classification (germline): Likely benign (1 of 4 stars; one submission).

Conditions:
Leigh syndrome (NULS). Also called: Leigh's necrotizing encephalopathy; Leigh's disease; Leigh Syndrome (mtDNA deletion); Leigh Disease; Subacute necrotizing encephalopathy; Necrotizing encephalopathy infantile subacute of Leigh. Identifiers: Orphanet 506, MedGen C2931891, MONDO:0009723, OMIM 256000.

Submission:

Wong Mito Lab, Molecular and Human Genetics, Baylor College of Medicine
Classification: Likely benign for Leigh syndrome. Last evaluated: 2019-10-17. Review status: criteria provided, single submitter. Criteria: Modified ACMG Guidelines (Unpublished). Collection method: clinical testing. Allele origin: germline.
Comment: The NC_012920.1:m.9489G>A (YP_003024032.1:p.Ala95Thr) variant in MTCO3 gene is interpretated to be a Likely Benign variant based on the modified ACMG guidelines (unpublished). This variant meets the following evidence codes: BS1, BP4

NC_012920.1(MT-CO3):m.9489G>A

Gene: MT-CO3 (mitochondrially encoded cytochrome c oxidase III; plus strand).
Variant type: single nucleotide variant.
Genome position: chrM-9489-G-A.
Identifiers: ClinVar variation 693175 (VCV000693175.1), dbSNP rs1603222343, ClinGen allele CA414803056.